The following is an entry in ClinVar:

ClinVar aggregate classification (germline): Benign (1 of 4 stars; one submission).

Submission:

GeneDx
Classification: Benign. Last evaluated: 2018-06-14. Review status: criteria provided, single submitter. Criteria: GeneDx Variant Classification (06012015). Collection method: clinical testing. Allele origin: germline. Affected: yes.
Comment: This variant is considered likely benign or benign based on one or more of the following criteria: it is a conservative change, it occurs at a poorly conserved position in the protein, it is predicted to be benign by multiple in silico algorithms, and/or has population frequency not consistent with disease.

NM_004006.3(DMD):c.4519-276AT[7]

Gene: DMD (dystrophin; minus strand). Cytogenetic location: Xp21.1.
Variant type: Microsatellite.
Coding change: c.4519-276AT[7] on transcript NM_004006.3 (MANE Select); seven copies in a row of the 2-base unit AT starting at c.4519-276; the reference has six copies in a row; one copy, 2 bases duplicated.
Molecular consequence: intron variant.
Genome position (GRCh38, 1-based): chrX:32,386,730-32,386,731, AT duplicated on the plus strand (AT on the coding strand, the reverse complement: DMD is on the minus strand); duplicating any 2 consecutive bases within chrX:32,386,730-32,386,741 gives the same sequence; the position shown is the placement nearest the transcript's 3' end. VCF-style (leftmost placement, unchanged base first): chrX-32386729-G-GAT. GRCh37 (hg19) VCF-style: chrX-32404846-G-GAT.
Other names: c.4495-276AT[7] (NM_000109.4); c.496-276AT[7] (NM_004011.4); c.487-276AT[7] (NM_004012.4); c.4507-276AT[7] (NM_004009.3); c.4150-276AT[7] (NM_004010.3).
Identifiers: ClinVar variation 680562 (VCV000680562.1), dbSNP rs10622779, ClinGen allele CA327984135.